The following is an entry in ClinVar:

ClinVar aggregate classification (germline): Uncertain significance. Review status: criteria provided, multiple submitters, no conflicts (2 of 4 stars). 2 submissions from 2 submitters: Uncertain significance (2). Last evaluated 2023-12-28.

Conditions:
Inborn genetic diseases. Identifiers: MedGen C0950123, MeSH D030342.
Juvenile nephropathic cystinosis. Also called: Intermediate Cystinosis; CYSTINOSIS, LATE-ONSET JUVENILE OR ADOLESCENT NEPHROPATHIC TYPE; Later-Onset (Juvenile) Cystinosis. Identifiers: Orphanet 213, Orphanet 411634, MedGen C0268626, MONDO:0009066, OMIM 219900.
Ocular cystinosis. Also called: Non-Nephropathic Cystinosis; Non-Nephropathic (Ocular) Cystinosis. Identifiers: Orphanet 213, Orphanet 411641, MedGen C2931013, MONDO:0009064, OMIM 219750.
Nephropathic cystinosis (CTNS). Also called: Abderhalden Lignac Kaufmann disease; Abderhalden-Kaufmann-Lignac syndrome; CYSTINOSIN, DEFECT OF; LYSOSOMAL CYSTINE TRANSPORT PROTEIN, DEFECT OF. Identifiers: Orphanet 213, Orphanet 411629, MedGen C2931187, MONDO:0100151, OMIM 219800.

Allele frequency attached by ClinVar (database versions not stated): ExAC 0.00005; gnomAD 0.00005 and 0.00006; gnomAD exomes 0.00005.
gnomAD v4.1: 34 of 1,612,200 alleles (0.0021%); highest among the groups gnomAD compares: Admixed American, 0.027%; no homozygotes.

Submissions (2):

Fulgent Genetics
Classification: Uncertain significance for Ocular cystinosis; Nephropathic cystinosis; Juvenile nephropathic cystinosis. Last evaluated: 2023-12-28. Review status: criteria provided, single submitter. Criteria: ACMG Guidelines, 2015. Collection method: clinical testing. Allele origin: germline.

Labcorp Genetics (formerly Invitae), Labcorp
Classification: Uncertain significance for Inborn genetic diseases; Ocular cystinosis; Juvenile nephropathic cystinosis. Last evaluated: 2022-08-21. Review status: criteria provided, single submitter. Criteria: Invitae Variant Classification Sherloc (09022015). Collection method: clinical testing. Allele origin: germline.
Comment: This sequence change replaces threonine, which is neutral and polar, with methionine, which is neutral and non-polar, at codon 277 of the CTNS protein (p.Thr277Met). This variant is present in population databases (rs757009591, gnomAD 0.02%). This variant has not been reported in the literature in individuals affected with CTNS-related conditions. ClinVar contains an entry for this variant (Variation ID: 1420584). Advanced modeling of protein sequence and biophysical properties (such as structural, functional, and spatial information, amino acid conservation, physicochemical variation, residue mobility, and thermodynamic stability) performed at Invitae indicates that this missense variant is expected to disrupt CTNS protein function. In summary, the available evidence is currently insufficient to determine the role of this variant in disease. Therefore, it has been classified as a Variant of Uncertain Significance.

NM_004937.3(CTNS):c.830C>T (p.Thr277Met)

Gene: CTNS (cystinosin, lysosomal cystine transporter; plus strand). Cytogenetic location: 17p13.2.
Variant type: single nucleotide variant.
Coding change: c.830C>T on transcript NM_004937.3 (MANE Select); coding-DNA position 830, C replaced by T.
Protein change: p.Thr277Met; replaces threonine 277 with methionine.
Molecular consequence: missense variant.
Genome position (GRCh38, 1-based): chr17:3,658,153, C>T. VCF-style: chr17-3658153-C-T. GRCh37 (hg19) VCF-style: chr17-3561447-C-T.
Other names: c.830C>T, p.Thr277Met (NM_001031681.3, NM_001374492.1); c.389C>T, p.Thr130Met (NM_001374493.1, NM_001374494.1, NM_001374495.1 and 1 more transcripts); short protein forms T130M, T277M.
Identifiers: ClinVar variation 1420584 (VCV001420584.6), dbSNP rs757009591, ClinGen allele CA8291903.